The following is an entry in ClinVar:

ClinVar aggregate classification (germline): Benign/Likely benign. Review status: criteria provided, multiple submitters, no conflicts (2 of 4 stars). 4 submissions from 4 submitters: Benign (1); Likely benign (2). 1 of the submissions does not count toward it. Last evaluated 2024-04-15.

Conditions:
Hereditary cancer-predisposing syndrome. Also called: Tumor predisposition; Hereditary Cancer Syndrome; Hereditary neoplastic syndrome; Neoplastic Syndromes, Hereditary. Identifiers: Orphanet 140162, MedGen C0027672, MeSH D009386, MONDO:0015356.
Familial adenomatous polyposis 1 (FAP1). Also called: FAMILIAL ADENOMATOUS POLYPOSIS 1, ATTENUATED; POLYPOSIS, ADENOMATOUS INTESTINAL. Identifiers: MedGen C2713442, MONDO:0021056, OMIM 175100. Disease mechanism: loss of function.

Allele frequency attached by ClinVar (database versions not stated): gnomAD exomes below 0.00001.
gnomAD v4.1: 1 of 1,614,240 alleles (0.000062%); highest among the groups gnomAD compares: Non-Finnish European, 0.000085%; no homozygotes.

Submissions (4):

Labcorp Genetics (formerly Invitae), Labcorp
Classification: Likely benign for Familial adenomatous polyposis 1. Last evaluated: 2024-04-15. Review status: criteria provided, single submitter. Criteria: Invitae Variant Classification Sherloc (09022015). Collection method: clinical testing. Allele origin: germline.

Myriad Genetics, Inc.
Classification: Benign for Familial adenomatous polyposis 1. Last evaluated: 2024-03-27. Review status: criteria provided, single submitter. Criteria: Myriad Autosomal Dominant, Autosomal Recessive and X-Linked Classification Criteria (2023). Collection method: clinical testing. Allele origin: unknown.
Comment: This variant is considered benign. This variant is a silent/synonymous amino acid change and it is not expected to impact splicing.

Ambry Genetics
Classification: Likely benign for Hereditary cancer-predisposing syndrome. Last evaluated: 2016-12-30. Review status: criteria provided, single submitter. Criteria: Ambry Variant Classification Scheme 2023. Collection method: clinical testing. Allele origin: germline.

Mayo Clinic Laboratories, Mayo Clinic
Classification: Likely benign. Last evaluated: 2017-12-07. Review status: no assertion criteria provided. Collection method: clinical testing. Allele origin: unknown. Not counted in ClinVar's aggregate classification.

NM_000038.6(APC):c.4761A>G (p.Ser1587=)

Gene: APC (APC regulator of Wnt signaling pathway; plus strand). Cytogenetic location: 5q22.2.
Variant type: single nucleotide variant.
Coding change: c.4761A>G on transcript NM_000038.6 (MANE Select); coding-DNA position 4761, A replaced by G.
Protein change: p.Ser1587=; no amino-acid change (serine 1587 retained).
Molecular consequence: synonymous variant.
Genome position (GRCh38, 1-based): chr5:112,840,355, A>G. VCF-style: chr5-112840355-A-G. GRCh37 (hg19) VCF-style: chr5-112176052-A-G.
Other names: c.4761A>G, p.Ser1587= (NM_001127510.3, NM_001354895.2); c.4707A>G, p.Ser1569= (NM_001127511.3); c.4815A>G, p.Ser1605= (NM_001354896.2); c.4791A>G, p.Ser1597= (NM_001354897.2); c.4686A>G, p.Ser1562= (NM_001354898.2); c.4677A>G, p.Ser1559= (NM_001354899.2); c.4638A>G, p.Ser1546= (NM_001354900.2); c.4584A>G, p.Ser1528= (NM_001354901.2); and 5 more.
Identifiers: ClinVar variation 487045 (VCV000487045.19), dbSNP rs863224280, ClinGen allele CA446206718.
Genomic context (GRCh38, chr5:112,840,355, plus strand): 5'-AGATGATGATGATATTGAAATACTAGAAGAATGTATTATTTCTGCCATGCCAACAAAGTC[A>G]TCACGTAAAGCAAAAAAGCCAGCCCAGACTGCTTCAAAATTACCTCCACCTGTGGCAAGG-3'
Protein context (NP_000029.2, residues 1577-1597): ECIISAMPTK[Ser1587=]SRKAKKPAQT